The following is an entry in ClinVar:

ClinVar aggregate classification (germline): Uncertain significance. Review status: criteria provided, multiple submitters, no conflicts (2 of 4 stars). 5 submissions from 5 submitters: Uncertain significance (5). Last evaluated 2026-01-06.

Conditions:
Spermatogenic failure 28. Identifiers: MedGen C4748117, MONDO:0054732, OMIM 618086.
Premature ovarian failure 15. Identifiers: MedGen C4748170, MONDO:0054862, OMIM 618096.
Fanconi anemia (FA). Also called: Fanconi's anemia. Identifiers: Orphanet 84, MedGen C0015625, MeSH D005199, MONDO:0019391.

Allele frequency attached by ClinVar (database versions not stated): ExAC 0.00012; gnomAD 0.00041; TOPMed 0.00049; ESP Exome Variant Server 0.00077; 1000 Genomes Project 30x 0.00094; 1000 Genomes Project 0.00100.
gnomAD v4.1: 142 of 1,613,794 alleles (0.0088%); highest among the groups gnomAD compares: African/African-American, 0.15%; no homozygotes.

Submissions (5):

Labcorp Genetics (formerly Invitae), Labcorp
Classification: Uncertain significance for Fanconi anemia. Last evaluated: 2026-01-06. Review status: criteria provided, single submitter. Criteria: Invitae Variant Classification Sherloc (09022015). Collection method: clinical testing. Allele origin: germline.
Comment: This sequence change replaces proline, which is neutral and non-polar, with alanine, which is neutral and non-polar, at codon 292 of the FANCM protein (p.Pro292Ala). This variant is present in population databases (rs142747831, gnomAD 0.1%). This missense change has been observed in individual(s) with Fanconi anemia (PMID: 26740942). ClinVar contains an entry for this variant (Variation ID: 655897). An algorithm developed to predict the effect of missense changes on protein structure and function (PolyPhen-2) suggests that this variant is likely to be tolerated. In summary, the available evidence is currently insufficient to determine the role of this variant in disease. Therefore, it has been classified as a Variant of Uncertain Significance.

GeneDx
Classification: Uncertain significance. Last evaluated: 2025-03-19. Review status: criteria provided, single submitter. Criteria: GeneDx Variant Classification Process June 2021. Collection method: clinical testing. Allele origin: germline. Affected: yes.
Comment: In silico analysis supports that this missense variant has a deleterious effect on protein structure/function; Observed with FANCM p.(Leu1950Val) in an individual with Fanconi anemia who was also heterozygous for a nonsense variant in the FANCA gene (PMID: 26740942); This variant is associated with the following publications: (PMID: 26740942)

Quest Diagnostics Nichols Institute San Juan Capistrano
Classification: Uncertain significance. Last evaluated: 2024-10-07. Review status: criteria provided, single submitter. Criteria: Quest Diagnostics criteria. Collection method: clinical testing. Allele origin: unknown.
Comment: The FANCM c.874C>G (p.Pro292Ala) variant has been reported in the published literature in an individual with Fanconi anemia who carried a nonsense variant in the FANCA gene (PMID: 26740942 (2015)). The frequency of this variant in the general population, 0.0014 (34/24950 chromosomes in African/African American subpopulation (Genome Aggregation Database)), is higher than would generally be expected for pathogenic variants in this gene. Analysis of this variant using bioinformatics tools for the prediction of the effect of amino acid changes on protein structure and function yielded predictions that this variant is benign. Based on the available information, we are unable to determine the clinical significance of this variant.

Fulgent Genetics
Classification: Uncertain significance for Spermatogenic failure 28; Premature ovarian failure 15. Last evaluated: 2024-01-02. Review status: criteria provided, single submitter. Criteria: ACMG Guidelines, 2015. Collection method: clinical testing. Allele origin: germline.

Blueprint Genetics
Classification: Uncertain significance. Last evaluated: 2022-08-09. Review status: criteria provided, single submitter. Criteria: ACMG Guidelines, 2015. Collection method: clinical testing. Allele origin: germline.

Literature cited by the submitters: PubMed 26740942 (cited by Labcorp Genetics (formerly Invitae), Labcorp and Quest Diagnostics Nichols Institute San Juan Capistrano).

NM_020937.4(FANCM):c.874C>G (p.Pro292Ala)

Gene: FANCM (FA complementation group M; plus strand). Cytogenetic location: 14q21.2.
Variant type: single nucleotide variant.
Coding change: c.874C>G on transcript NM_020937.4 (MANE Select); coding-DNA position 874, C replaced by G.
Protein change: p.Pro292Ala; replaces proline 292 with alanine.
Molecular consequence: missense variant.
Genome position (GRCh38, 1-based): chr14:45,148,951, C>G. VCF-style: chr14-45148951-C-G. GRCh37 (hg19) VCF-style: chr14-45618154-C-G.
Other names: c.796C>G, p.Pro266Ala (NM_001308133.2); c.874C>G, p.Pro292Ala (NM_001308134.2); c.874C>G (NM_020937.3); short protein forms P266A, P292A.
Identifiers: ClinVar variation 655897 (VCV000655897.21), dbSNP rs142747831, ClinGen allele CA7168868.